The following is an entry in ClinVar:

ClinVar aggregate classification (germline): Likely benign (1 of 4 stars; one submission).

Conditions:
Melanoma, cutaneous malignant, susceptibility to, 5. Also called: Cutaneous malignant melanoma 5. Identifiers: Orphanet 618, MedGen C2751295, MONDO:0013133, OMIM 613099.

Allele frequency attached by ClinVar (database versions not stated): TOPMed 0.00005; 1000 Genomes Project 30x 0.00047; gnomAD 0.00007 and 0.00004; 1000 Genomes Project 0.00060.

Submission:

Illumina Laboratory Services, Illumina
Classification: Likely benign for Melanoma, cutaneous malignant, susceptibility to, 5. Last evaluated: 2017-04-27. Review status: criteria provided, single submitter. Criteria: ICSL Variant Classification Criteria 13 December 2019. Collection method: clinical testing. Allele origin: germline.
Comment: This variant was observed as part of a predisposition screen in an ostensibly healthy population. A literature search was performed for the gene, cDNA change, and amino acid change (where applicable). No publications were found based on this search. Allele frequency data from public databases allowed determination this variant is unlikely to cause disease. Therefore, this variant is classified as likely benign.

NM_002386.3(MC1R):c.-550G>A

Gene: MC1R (melanocortin 1 receptor; plus strand). Cytogenetic location: 16q24.3.
Variant type: single nucleotide variant.
Coding change: c.-550G>A on transcript NM_002386.3; 550 bases upstream of the start codon, G replaced by A.
Genome position (GRCh38, 1-based): chr16:89,918,709, G>A. VCF-style: chr16-89918709-G-A. GRCh37 (hg19) VCF-style: chr16-89985117-G-A.
Identifiers: ClinVar variation 321398 (VCV000321398.7), dbSNP rs372719558, ClinGen allele CA10649341.